The following is an entry in ClinVar:

ClinVar aggregate classification (germline): Likely benign. Review status: criteria provided, multiple submitters, no conflicts (2 of 4 stars). 4 submissions from 4 submitters: Likely benign (4). Last evaluated 2026-01-21.

Allele frequency attached by ClinVar (database versions not stated): ExAC 0.00009; TOPMed 0.00015; gnomAD exomes 0.00018 and 0.00027; gnomAD 0.00028 and 0.00029.
gnomAD v4.1: 413 of 1,551,712 alleles (0.027%); highest among the groups gnomAD compares: Non-Finnish European, 0.033%; 1 homozygote.

Submissions (4):

Labcorp Genetics (formerly Invitae), Labcorp
Classification: Likely benign. Last evaluated: 2026-01-21. Review status: criteria provided, single submitter. Criteria: Invitae Variant Classification Sherloc (09022015). Collection method: clinical testing. Allele origin: germline.

Women's Health and Genetics/Laboratory Corporation of America, LabCorp
Classification: Likely benign. Last evaluated: 2025-05-27. Review status: criteria provided, single submitter. Criteria: LabCorp Variant Classification Summary - May 2015. Collection method: clinical testing. Allele origin: germline.

Blueprint Genetics
Classification: Likely benign. Last evaluated: 2024-09-30. Review status: criteria provided, single submitter. Criteria: ACMG Guidelines, 2015. Collection method: clinical testing. Allele origin: germline.

CeGaT Center for Human Genetics Tuebingen
Classification: Likely benign. Last evaluated: 2024-08-01. Review status: criteria provided, single submitter. Criteria: CeGaT Center For Human Genetics Tuebingen Variant Classification Criteria Version 2. Collection method: clinical testing. Allele origin: germline. Affected: yes. Observed: 1 variant allele.
Comment: UNC80: BP4, BP7

NM_001371986.1(UNC80):c.9471C>T (p.Thr3157=)

Gene: UNC80 (unc-80 subunit of NALCN channel complex; plus strand). Cytogenetic location: 2q34.
Variant type: single nucleotide variant.
Coding change: c.9471C>T on transcript NM_001371986.1 (MANE Select); coding-DNA position 9471, C replaced by T.
Protein change: p.Thr3157=; no amino-acid change (threonine 3157 retained).
Molecular consequence: synonymous variant.
Genome position (GRCh38, 1-based): chr2:209,993,389, C>T. VCF-style: chr2-209993389-C-T. GRCh37 (hg19) VCF-style: chr2-210858113-C-T.
Other names: c.9273C>T, p.Thr3091= (NM_032504.2); c.9201C>T, p.Thr3067= (NM_182587.4).
Identifiers: ClinVar variation 1573618 (VCV001573618.25), dbSNP rs745339116, ClinGen allele CA2083678.